The following is an entry in ClinVar:

NM_000553.6(WRN):c.4027A>G (p.Ile1343Val)

Gene: WRN (WRN RecQ like helicase; plus strand). Cytogenetic location: 8p12.
Variant type: single nucleotide variant.
Coding change: c.4027A>G on transcript NM_000553.6 (MANE Select); coding-DNA position 4027, A replaced by G.
Protein change: p.Ile1343Val; replaces isoleucine 1343 with valine.
Molecular consequence: missense variant.
Genome position (GRCh38, 1-based): chr8:31,167,066, A>G. VCF-style: chr8-31167066-A-G. GRCh37 (hg19) VCF-style: chr8-31024582-A-G.
Other names: short protein forms I1343V.
Identifiers: ClinVar variation 403981 (VCV000403981.5), dbSNP rs1060500058, ClinGen allele CA16612518.
Genomic context (GRCh38, chr8:31,167,066, plus strand): 5'-TTTTTATCGTTTACAGATATGAGTAAAATTAGCCTAATCAGAATGTTAGTTCCTGAAAAC[A>G]TTGACACGTACCTTATCCACATGGCAATTGAGATCCTTAAACATGGTCCTGACAGCGGAC-3'
Protein context (NP_000544.2, residues 1333-1353): SLIRMLVPEN[Ile1343Val]DTYLIHMAIE

ClinVar aggregate classification (germline): Uncertain significance (1 of 4 stars; one submission).

Conditions:
Werner syndrome (WRN). Identifiers: Orphanet 902, MedGen C0043119, MONDO:0010196, OMIM 277700.

Allele frequency attached by ClinVar (database versions not stated): gnomAD exomes 0.00001; TOPMed 0.00001; gnomAD 0.00001.
gnomAD v4.1: 14 of 1,613,226 alleles (0.00087%); highest among the groups gnomAD compares: Non-Finnish European, 0.0011%; no homozygotes.

Submission:

Labcorp Genetics (formerly Invitae), Labcorp
Classification: Uncertain significance for Werner syndrome. Last evaluated: 2025-04-07. Review status: criteria provided, single submitter. Criteria: Invitae Variant Classification Sherloc (09022015). Collection method: clinical testing. Allele origin: germline.
Comment: This sequence change replaces isoleucine, which is neutral and non-polar, with valine, which is neutral and non-polar, at codon 1343 of the WRN protein (p.Ile1343Val). This variant is present in population databases (no rsID available, gnomAD 0.003%). This variant has not been reported in the literature in individuals affected with WRN-related conditions. ClinVar contains an entry for this variant (Variation ID: 403981). An algorithm developed to predict the effect of missense changes on protein structure and function (PolyPhen-2) suggests that this variant is likely to be tolerated. In summary, the available evidence is currently insufficient to determine the role of this variant in disease. Therefore, it has been classified as a Variant of Uncertain Significance.